The following is an entry in ClinVar:

NM_020754.4(ARHGAP31):c.3596C>T (p.Ala1199Val)

Gene: ARHGAP31 (Rho GTPase activating protein 31; plus strand). Cytogenetic location: 3q13.33.
Variant type: single nucleotide variant.
Coding change: c.3596C>T on transcript NM_020754.4 (MANE Select); coding-DNA position 3596, C replaced by T.
Protein change: p.Ala1199Val; replaces alanine 1199 with valine.
Molecular consequence: missense variant.
Genome position (GRCh38, 1-based): chr3:119,415,525, C>T. VCF-style: chr3-119415525-C-T. GRCh37 (hg19) VCF-style: chr3-119134372-C-T.
Other names: c.3596C>T (NM_020754.2); short protein forms A1199V.
Identifiers: ClinVar variation 1408682 (VCV001408682.15), dbSNP rs534166705, ClinGen allele CA2554222.
Genomic context (GRCh38, chr3:119,415,525, plus strand): 5'-CTCCTGTGAGTGTGTCAGCTGTGAGAACCTCCTTCATGGTCAAAATGTGCCAGGCCAGGG[C>T]GGTCCCAGTCATCCCTCCCAAGATTCAGTACACCCAGATCCCACAGCCCCTGCCCTCTCA-3'
Protein context (NP_065805.2, residues 1189-1209): SFMVKMCQAR[Ala1199Val]VPVIPPKIQY

ClinVar aggregate classification (germline): Conflicting classifications of pathogenicity. Review status: criteria provided, conflicting classifications (1 of 4 stars). 3 submissions from 3 submitters: Uncertain significance (2); Likely benign (1). Last evaluated 2024-11-05.

Conditions:
Adams-Oliver syndrome 1 (AOS1). Also called: ABSENCE DEFECT OF LIMBS, SCALP, AND SKULL; CONGENITAL SCALP DEFECTS WITH DISTAL LIMB REDUCTION ANOMALIES; APLASIA CUTIS CONGENITA WITH TERMINAL TRANSVERSE LIMB DEFECTS. Identifiers: Orphanet 974, MedGen C4551482, MONDO:0024506, OMIM 100300.
Inborn genetic diseases. Identifiers: MedGen C0950123, MeSH D030342.

Allele frequency attached by ClinVar (database versions not stated): ExAC 0.00002; TOPMed 0.00003; gnomAD 0.00004 and 0.00005; gnomAD exomes 0.00004; 1000 Genomes Project 30x 0.00016; 1000 Genomes Project 0.00020.
gnomAD v4.1: 59 of 1,614,124 alleles (0.0037%); highest among the groups gnomAD compares: Admixed American, 0.023%; no homozygotes.

Submissions (3):

Labcorp Genetics (formerly Invitae), Labcorp
Classification: Uncertain significance. Last evaluated: 2024-11-05. Review status: criteria provided, single submitter. Criteria: Invitae Variant Classification Sherloc (09022015). Collection method: clinical testing. Allele origin: germline.
Comment: This sequence change replaces alanine, which is neutral and non-polar, with valine, which is neutral and non-polar, at codon 1199 of the ARHGAP31 protein (p.Ala1199Val). This variant is present in population databases (rs534166705, gnomAD 0.02%). This variant has not been reported in the literature in individuals affected with ARHGAP31-related conditions. ClinVar contains an entry for this variant (Variation ID: 1408682). An algorithm developed to predict the effect of missense changes on protein structure and function (PolyPhen-2) suggests that this variant is likely to be disruptive. In summary, the available evidence is currently insufficient to determine the role of this variant in disease. Therefore, it has been classified as a Variant of Uncertain Significance.

Ambry Genetics
Classification: Likely benign for Inborn genetic diseases. Last evaluated: 2022-02-02. Review status: criteria provided, single submitter. Criteria: Ambry Variant Classification Scheme 2023. Collection method: clinical testing. Allele origin: germline.

Revvity Omics, Revvity
Classification: Uncertain significance for Adams-Oliver syndrome 1. Last evaluated: 2019-03-21. Review status: criteria provided, single submitter. Criteria: ACMG Guidelines, 2015. Collection method: clinical testing. Allele origin: germline.